The following is an entry in ClinVar:

NC_000002.11:g.(?_44513151)_(44586854_?)del

Genes: PREPL (prolyl endopeptidase like; minus strand), SLC3A1 (solute carrier family 3 member 1; plus strand). Cytogenetic location: 2p21.
Variant type: Deletion.
Identifiers: ClinVar variation 3247123 (VCV003247123.1).

ClinVar aggregate classification (germline): Pathogenic (1 of 4 stars; one submission).

Conditions:
Cystinuria (CSNU). Also called: CYSTINURIA, TYPE I; CYSTINURIA, TYPE II; CYSTINURIA, TYPE III; Cystinuria, non-type I. Identifiers: Orphanet 214, MedGen C0010691, MONDO:0009067, OMIM 220100, HP:0003131.

Submission:

Labcorp Genetics (formerly Invitae), Labcorp
Classification: Pathogenic for Cystinuria. Last evaluated: 2024-01-16. Review status: criteria provided, single submitter. Criteria: Invitae Variant Classification Sherloc (09022015). Collection method: clinical testing. Allele origin: unknown.
Comment: This variant is a gross deletion of the genomic region encompassing exon(s) 4-10 of the SLC3A1 gene, which includes the termination codon. This deletion extends beyond the assayed region for this gene and therefore may encompass additional genes. While this deletion is not anticipated to lead to nonsense mediated decay, it is expected to alter mRNA translation or result in a truncated protein product. This variant has not been reported in the literature in individuals affected with SLC3A1-related conditions. This variant disrupts a region of the SLC3A1 protein in which other variant(s) (p.Arg671*) have been determined to be pathogenic (PMID: 28717662, 32133030). This suggests that this is a clinically significant region of the protein, and that variants that disrupt it are likely to be disease-causing. For these reasons, this variant has been classified as Pathogenic.

Literature cited by the submitters: PubMed 28717662; PubMed 32133030.